The following is an entry in ClinVar:

ClinVar aggregate classification (germline): Pathogenic (1 of 4 stars; one submission).

Conditions:
Pontocerebellar hypoplasia type 1A (PCH1A). Also called: PONTOCEREBELLAR HYPOPLASIA WITH ANTERIOR HORN CELL DISEASE; PONTOCEREBELLAR HYPOPLASIA WITH INFANTILE SPINAL MUSCULAR ATROPHY. Identifiers: Orphanet 2254, Orphanet 88616, MedGen C1843504, MONDO:0011866, OMIM 607596.

Submission:

Labcorp Genetics (formerly Invitae), Labcorp
Classification: Pathogenic for Pontocerebellar hypoplasia type 1A. Last evaluated: 2022-10-25. Review status: criteria provided, single submitter. Criteria: Invitae Variant Classification Sherloc (09022015). Collection method: clinical testing. Allele origin: germline.
Comment: For these reasons, this variant has been classified as Pathogenic. This variant has not been reported in the literature in individuals affected with VRK1-related conditions. This variant is not present in population databases (gnomAD no frequency). This sequence change creates a premature translational stop signal (p.Glu318Metfs*12) in the VRK1 gene. It is expected to result in an absent or disrupted protein product. Loss-of-function variants in VRK1 are known to be pathogenic (PMID: 19646678, 24126608, 27281532).

Literature cited by the submitters: PubMed 19646678; PubMed 24126608; PubMed 27281532.

NM_003384.3(VRK1):c.950_951dup (p.Glu318fs)

Gene: VRK1 (VRK serine/threonine kinase 1; plus strand). Cytogenetic location: 14q32.2.
Variant type: Duplication.
Coding change: c.950_951dup on transcript NM_003384.3 (MANE Select); coding-DNA positions 950 to 951, 2 bases duplicated (AT; older notation c.950_951dupAT).
Protein change: p.Glu318fs; shifts the reading frame from glutamic acid 318.
Molecular consequence: frameshift variant.
Genome position (GRCh38, 1-based): chr14:96,860,617-96,860,618, AT duplicated; duplicating any 2 consecutive bases within chr14:96,860,616-96,860,618 gives the same sequence; the c. name uses the placement nearest the transcript's 3' end. VCF-style (leftmost placement, unchanged base first): chr14-96860615-T-TTA. GRCh37 (hg19) VCF-style: chr14-97326952-T-TTA.
Other names: c.950_951dup, p.Glu318Metfs (NM_001411051.1, NM_001411053.1); short protein forms E318fs.
Identifiers: ClinVar variation 2036712 (VCV002036712.4), dbSNP rs2504209855, ClinGen allele CA2580089065.